The following is an entry in ClinVar:

NM_004523.4(KIF11):c.1677G>A (p.Met559Ile)

Gene: KIF11 (kinesin family member 11; plus strand). Cytogenetic location: 10q23.33.
Variant type: single nucleotide variant.
Coding change: c.1677G>A on transcript NM_004523.4 (MANE Select); coding-DNA position 1677, G replaced by A.
Protein change: p.Met559Ile; replaces methionine 559 with isoleucine.
Molecular consequence: missense variant.
Genome position (GRCh38, 1-based): chr10:92,632,668, G>A. VCF-style: chr10-92632668-G-A. GRCh37 (hg19) VCF-style: chr10-94392425-G-A.
Other names: short protein forms M559I.
Identifiers: ClinVar variation 435611 (VCV000435611.19), dbSNP rs750869480, ClinGen allele CA5604237.

ClinVar aggregate classification (germline): Uncertain significance. Review status: criteria provided, multiple submitters, no conflicts (2 of 4 stars). 4 submissions from 4 submitters: Uncertain significance (4). Last evaluated 2025-05-28.

Conditions:
Inborn genetic diseases. Identifiers: MedGen C0950123, MeSH D030342.
Microcephaly with or without chorioretinopathy, lymphedema, or impaired intellectual development. Also called: MICROCEPHALY AND CHORIORETINOPATHY WITH OR WITHOUT MENTAL RETARDATION, AUTOSOMAL DOMINANT; Microcephaly with or without chorioretinopathy, lymphedema, or mental retardation; Microcephaly lymphedema chorioretinal dysplasia; Microcephaly with or without chorioretinopathy, lymphedema, or intellectual disability; MICROCEPHALY, LYMPHEDEMA, CHORIORETINAL DYSPLASIA SYNDROME. Identifiers: Orphanet 2526, MedGen C1835265, MONDO:0007918, OMIM 152950.

Allele frequency attached by ClinVar (database versions not stated): gnomAD 0.00001; gnomAD exomes 0.00001 and below 0.00001; ExAC 0.00001.
gnomAD v4.1: 5 of 1,610,340 alleles (0.00031%); highest among the groups gnomAD compares: Admixed American, 0.005%; no homozygotes.

Submissions (4):

Ambry Genetics
Classification: Uncertain significance for Inborn genetic diseases. Last evaluated: 2025-05-28. Review status: criteria provided, single submitter. Criteria: Ambry Variant Classification Scheme 2023. Collection method: clinical testing. Allele origin: germline.

Labcorp Genetics (formerly Invitae), Labcorp
Classification: Uncertain significance. Last evaluated: 2020-10-25. Review status: criteria provided, single submitter. Criteria: Invitae Variant Classification Sherloc (09022015). Collection method: clinical testing. Allele origin: germline.
Comment: This variant has not been reported in the literature in individuals with KIF11-related conditions. ClinVar contains an entry for this variant (Variation ID: 435611). This variant is present in population databases (rs750869480, ExAC 0.009%). This sequence change replaces methionine with isoleucine at codon 559 of the KIF11 protein (p.Met559Ile). The methionine residue is highly conserved and there is a small physicochemical difference between methionine and isoleucine. Algorithms developed to predict the effect of missense changes on protein structure and function are either unavailable or do not agree on the potential impact of this missense change (SIFT: "Deleterious"; PolyPhen-2: "Benign"; Align-GVGD: "Class C0"). In summary, the available evidence is currently insufficient to determine the role of this variant in disease. Therefore, it has been classified as a Variant of Uncertain Significance.

Mayo Clinic Laboratories, Mayo Clinic
Classification: Uncertain significance for Microcephaly with or without chorioretinopathy, lymphedema, or impaired intellectual development. Last evaluated: 2016-11-30. Review status: criteria provided, single submitter. Criteria: ACMG Guidelines, 2015. Collection method: clinical testing. Allele origin: paternal.

Genetic Services Laboratory, University of Chicago
Classification: Uncertain significance. Last evaluated: 2015-10-29. Review status: criteria provided, single submitter. Criteria: ACMG Guidelines, 2015. Collection method: clinical testing. Allele origin: germline. Affected: no.